The following is an entry in ClinVar:

ClinVar aggregate classification (germline): Uncertain significance (1 of 4 stars; one submission).

Conditions:
Bethlem myopathy 1A. Also called: MYOPATHY, BENIGN CONGENITAL, WITH CONTRACTURES; Bethlem Muscular Dystrophy; Bethlem myopathy 1. Identifiers: Orphanet 610, MedGen CN029274, MONDO:0024530, OMIM 158810.

Allele frequency attached by ClinVar (database versions not stated): gnomAD exomes 0.00001; TOPMed 0.00001; gnomAD 0.00003; 1000 Genomes Project 0.00020; 1000 Genomes Project 30x 0.00031; ExAC 0.00001.
gnomAD v4.1: 21 of 1,611,608 alleles (0.0013%); highest among the groups gnomAD compares: Middle Eastern, 0.017%; no homozygotes.

Submission:

Labcorp Genetics (formerly Invitae), Labcorp
Classification: Uncertain significance for Bethlem myopathy 1A. Last evaluated: 2022-02-21. Review status: criteria provided, single submitter. Criteria: Invitae Variant Classification Sherloc (09022015). Collection method: clinical testing. Allele origin: germline.
Comment: This variant is present in population databases (rs558005986, gnomAD 0.005%). This sequence change replaces arginine, which is basic and polar, with histidine, which is basic and polar, at codon 659 of the COL6A2 protein (p.Arg659His). This variant has not been reported in the literature in individuals affected with COL6A2-related conditions. In summary, the available evidence is currently insufficient to determine the role of this variant in disease. Therefore, it has been classified as a Variant of Uncertain Significance. Algorithms developed to predict the effect of missense changes on protein structure and function are either unavailable or do not agree on the potential impact of this missense change (SIFT: "Deleterious"; PolyPhen-2: "Probably Damaging"; Align-GVGD: "Class C0").

NM_001849.4(COL6A2):c.1976G>A (p.Arg659His)

Gene: COL6A2 (collagen type VI alpha 2 chain; plus strand). Cytogenetic location: 21q22.3.
Variant type: single nucleotide variant.
Coding change: c.1976G>A on transcript NM_001849.4 (MANE Select); coding-DNA position 1976, G replaced by A.
Protein change: p.Arg659His; replaces arginine 659 with histidine.
Molecular consequence: missense variant.
Genome position (GRCh38, 1-based): chr21:46,125,791, G>A. VCF-style: chr21-46125791-G-A. GRCh37 (hg19) VCF-style: chr21-47545705-G-A.
Other names: c.1976G>A, p.Arg659His (NM_058174.3, NM_058175.3); short protein forms R659H.
Identifiers: ClinVar variation 2049680 (VCV002049680.4), dbSNP rs558005986, ClinGen allele CA10072402.
Genomic context (GRCh38, chr21:46,125,791, plus strand): 5'-GGATGCCCCAGACCCCGAGGCCTCTGGCAACGACCTCACGCGTGCGGCTTGCAGGGACGC[G>A]TGTGGGCGTGGTGCAGTACAGCCACGAGGGCACCTTTGAGGCCATCCAGCTGGACGACGA-3'
Protein context (NP_001840.3, residues 649-669): AKDPKSETGT[Arg659His]VGVVQYSHEG